The following is an entry in ClinVar:

ClinVar aggregate classification (germline): Likely benign. Review status: criteria provided, multiple submitters, no conflicts (2 of 4 stars). 4 submissions from 4 submitters: Likely benign (4). Last evaluated 2025-12-29.

Conditions:
Inborn genetic diseases. Identifiers: MedGen C0950123, MeSH D030342.
Spastic paraplegia. Identifiers: MedGen C0037772, HP:0001258.

Allele frequency attached by ClinVar (database versions not stated): gnomAD exomes 0.00011 and 0.00010; TOPMed 0.00011; gnomAD 0.00007 and 0.00011; ExAC 0.00009.

Submissions (4):

Labcorp Genetics (formerly Invitae), Labcorp
Classification: Likely benign for Spastic paraplegia. Last evaluated: 2025-12-29. Review status: criteria provided, single submitter. Criteria: Invitae Variant Classification Sherloc (09022015). Collection method: clinical testing. Allele origin: germline.

Mayo Clinic Laboratories, Mayo Clinic
Classification: Likely benign. Last evaluated: 2024-12-26. Review status: criteria provided, single submitter. Criteria: ACMG Guidelines, 2015. Collection method: clinical testing. Allele origin: germline. Observed: 1 variant allele.
Comment: BP4, BP7

Ambry Genetics
Classification: Likely benign for Inborn genetic diseases. Last evaluated: 2022-08-18. Review status: criteria provided, single submitter. Criteria: Ambry Variant Classification Scheme 2023. Collection method: clinical testing. Allele origin: germline.

Breakthrough Genomics
Classification: Likely benign. Review status: criteria provided, single submitter. Criteria: ACMG Guidelines, 2015. Collection method: not provided. Allele origin: germline. Inheritance: Autosomal recessive inheritance. Affected: yes.

NM_001478.5(B4GALNT1):c.384-4C>T

Gene: B4GALNT1 (beta-1,4-N-acetyl-galactosaminyltransferase 1; minus strand). Cytogenetic location: 12q13.3.
Variant type: single nucleotide variant.
Coding change: c.384-4C>T on transcript NM_001478.5 (MANE Select); 4 bases into the intron before coding-DNA position 384, C replaced by T.
Molecular consequence: intron variant.
Genome position (GRCh38, 1-based): chr12:57,631,090, G>A on the plus strand (C>T on the coding strand, the complement: B4GALNT1 is on the minus strand). VCF-style: chr12-57631090-G-A. GRCh37 (hg19) VCF-style: chr12-58024873-G-A.
Other names: p.?; c.384-4C>T (NM_001478.3, NM_001276469.2); c.219-4C>T (NM_001276468.2).
Identifiers: ClinVar variation 413844 (VCV000413844.12), dbSNP rs542474280, ClinGen allele CA6655783.